The following is an entry in ClinVar:

NM_001365951.3(KIF1B):c.2115+6807G>A

Gene: KIF1B (kinesin family member 1B; plus strand). Cytogenetic location: 1p36.22.
Variant type: single nucleotide variant.
Coding change: c.2115+6807G>A on transcript NM_001365951.3 (MANE Select); 6807 bases into the intron after coding-DNA position 2115, G replaced by A.
Molecular consequence: intron variant. On other transcripts: synonymous variant (2).
Genome position (GRCh38, 1-based): chr1:10,304,053, G>A. VCF-style: chr1-10304053-G-A. GRCh37 (hg19) VCF-style: chr1-10364111-G-A.
Other names: c.2868G>A, p.Arg956= (NM_001365953.1, NM_183416.4); c.1977+6807G>A (NM_015074.3); c.2115+6807G>A (NM_001365952.1).
Identifiers: ClinVar variation 4887220 (VCV004887220.1).
Genomic context (GRCh38, chr1:10,304,053, plus strand): 5'-GATAACAAAGCAGCTTCGTCGGCAGAATGTACCTCATAGGTTCATCCCTCCTGAGAACCG[G>A]AAGCCCCGCTTCCCCTTTAAGAGCAACCCTAAACACAGAAACTCTTGGAGTCCTGGGACA-3'

ClinVar aggregate classification (germline): Likely benign (1 of 4 stars; one submission).

gnomAD v4.1: 18 of 1,611,264 alleles (0.0011%); highest among the groups gnomAD compares: Admixed American, 0.019%; no homozygotes.

Submission:

Women's Health and Genetics/Laboratory Corporation of America, LabCorp
Classification: Likely benign. Last evaluated: 2026-06-16. Review status: criteria provided, single submitter. Criteria: LabCorp Variant Classification Summary - May 2015. Collection method: clinical testing. Allele origin: germline.
Comment: Variant summary: KIF1B c.1977+6807G>A is located at a position not widely known to affect splicing. Consensus agreement among computation tools predict no significant impact on normal splicing. However, these predictions have yet to be confirmed by functional studies. The variant allele was found at a frequency of 3.6e-05 in 248074 control chromosomes. The available data on variant occurrences in the general population are insufficient to allow any conclusion about variant significance. To our knowledge, no occurrence of c.1977+6807G>A in individuals affected with KIF1B-related conditions and no experimental evidence demonstrating its impact on protein function have been reported. No submitters have cited clinical-significance assessments for this variant to ClinVar. Based on the evidence outlined above, the variant was classified as likely benign.